The following is an entry in ClinVar:

NM_001282112.2(TOP3B):c.402G>A (p.Leu134=)

Gene: TOP3B (DNA topoisomerase III beta; minus strand). Cytogenetic location: 22q11.22.
Variant type: single nucleotide variant.
Coding change: c.402G>A on transcript NM_001282112.2 (MANE Select); coding-DNA position 402, G replaced by A.
Protein change: p.Leu134=; no amino-acid change (leucine 134 retained).
Molecular consequence: synonymous variant. On other transcripts: 5 prime UTR variant (4), non-coding transcript variant (1).
Genome position (GRCh38, 1-based): chr22:21,970,389, C>T on the plus strand (G>A on the coding strand, the complement: TOP3B is on the minus strand). VCF-style: chr22-21970389-C-T. GRCh37 (hg19) VCF-style: chr22-22324761-C-T.
Other names: c.402G>A, p.Leu134= (NM_001282113.2, NM_001349845.2, NM_001349847.2 and 1 more transcripts); c.-7G>A (NM_001349848.2, NM_001349850.2, NM_001349851.2 and 1 more transcripts).
Identifiers: ClinVar variation 3033224 (VCV003033224.2), dbSNP rs115645260, ClinGen allele CA10125943.

ClinVar aggregate classification (germline): Likely benign (0 of 4 stars; one submission).

Conditions:
TOP3B-related disorder. Also called: TOP3B-related condition.

Allele frequency attached by ClinVar (database versions not stated): TOPMed 0.00101; gnomAD exomes 0.00009; ExAC 0.00019; 1000 Genomes Project 30x 0.00031; 1000 Genomes Project 0.00040; ESP Exome Variant Server 0.00085; gnomAD 0.00092.
gnomAD v4.1: 274 of 1,613,874 alleles (0.017%); highest among the groups gnomAD compares: African/African-American, 0.33%; 1 homozygote.

Submission:

PreventionGenetics, part of Exact Sciences
Classification: Likely benign for TOP3B-related condition. Last evaluated: 2019-10-28. Review status: no assertion criteria provided. Collection method: clinical testing. Allele origin: germline.
Comment: This variant is classified as likely benign based on ACMG/AMP sequence variant interpretation guidelines (Richards et al. 2015 PMID: 25741868, with internal and published modifications).